The following is an entry in ClinVar:

ClinVar aggregate classification (germline): Likely benign. Review status: criteria provided, multiple submitters, no conflicts (2 of 4 stars). 2 submissions from 2 submitters: Likely benign (2). Last evaluated 2025-12-08.

Conditions:
MAPKBP1-related disorder. Also called: MAPKBP1-related condition.

Allele frequency attached by ClinVar (database versions not stated): ESP Exome Variant Server 0.00008; ExAC 0.00003; gnomAD 0.00007; TOPMed 0.00007.
gnomAD v4.1: 81 of 1,613,526 alleles (0.005%); highest among the groups gnomAD compares: Admixed American, 0.0083%; no homozygotes.

Submissions (2):

PreventionGenetics, part of Exact Sciences
Classification: Likely benign for MAPKBP1-related condition. Last evaluated: 2025-12-08. Review status: criteria provided, single submitter. Criteria: ACMG Guidelines, 2015. Collection method: clinical testing. Allele origin: germline.
Comment: This variant is classified as likely benign based on ACMG/AMP sequence variant interpretation guidelines (Richards et al. 2015 PMID: 25741868, with internal and published modifications).

Labcorp Genetics (formerly Invitae), Labcorp
Classification: Likely benign. Last evaluated: 2022-04-12. Review status: criteria provided, single submitter. Criteria: Invitae Variant Classification Sherloc (09022015). Collection method: clinical testing. Allele origin: germline.

NM_014994.3(MAPKBP1):c.6T>C (p.Ala2=)

Gene: MAPKBP1 (mitogen-activated protein kinase binding protein 1; plus strand). Cytogenetic location: 15q15.1.
Variant type: single nucleotide variant.
Coding change: c.6T>C on transcript NM_014994.3 (MANE Select); coding-DNA position 6, T replaced by C.
Protein change: p.Ala2=; no amino-acid change (alanine 2 retained).
Molecular consequence: synonymous variant. On other transcripts: non-coding transcript variant (2).
Genome position (GRCh38, 1-based): chr15:41,775,281, T>C. VCF-style: chr15-41775281-T-C. GRCh37 (hg19) VCF-style: chr15-42067479-T-C.
Other names: c.6T>C, p.Ala2= (NM_001128608.2, NM_001265611.2); c.6T>C (NM_001128608.1).
Identifiers: ClinVar variation 2160462 (VCV002160462.5), dbSNP rs200766282, ClinGen allele CA7497401.